The following is an entry in ClinVar:

ClinVar aggregate classification (germline): Pathogenic (1 of 4 stars; one submission).

Conditions:
FGFR2-related craniosynostosis. Identifiers: MedGen CN231480.

Submission:

Labcorp Genetics (formerly Invitae), Labcorp
Classification: Pathogenic for FGFR2-related craniosynostosis. Last evaluated: 2025-05-26. Review status: criteria provided, single submitter. Criteria: Invitae Variant Classification Sherloc (09022015). Collection method: clinical testing. Allele origin: germline.
Comment: This sequence change replaces valine, which is neutral and non-polar, with phenylalanine, which is neutral and non-polar, at codon 359 of the FGFR2 protein (p.Val359Phe). This variant is not present in population databases (gnomAD no frequency). This missense change has been observed in individuals with Crouzon and/or Pfeiffer syndrome (PMID: 8644708, 11173845; internal data). It has also been observed to segregate with disease in related individuals. This variant is also known as 1254G>T. ClinVar contains an entry for this variant (Variation ID: 952522). Invitae Evidence Modeling of protein sequence and biophysical properties (such as structural, functional, and spatial information, amino acid conservation, physicochemical variation, residue mobility, and thermodynamic stability) indicates that this missense variant is expected to disrupt FGFR2 protein function with a positive predictive value of 80%. This variant disrupts the p.Val359 amino acid residue in FGFR2. Other variant(s) that disrupt this residue have been observed in individuals with FGFR2-related conditions (PMID: 25129254), which suggests that this may be a clinically significant amino acid residue. For these reasons, this variant has been classified as Pathogenic.

Literature cited by the submitters: PubMed 8644708; PubMed 11173845; PubMed 25129254.

NM_000141.5(FGFR2):c.1075G>T (p.Val359Phe)

Gene: FGFR2 (fibroblast growth factor receptor 2; minus strand). Cytogenetic location: 10q26.13.
Variant type: single nucleotide variant.
Coding change: c.1075G>T on transcript NM_000141.5 (MANE Select); coding-DNA position 1075, G replaced by T.
Protein change: p.Val359Phe; replaces valine 359 with phenylalanine.
Molecular consequence: missense variant. On other transcripts: non-coding transcript variant (1), intron variant (5).
Genome position (GRCh38, 1-based): chr10:121,517,328, C>A on the plus strand (G>T on the coding strand, the complement: FGFR2 is on the minus strand). VCF-style: chr10-121517328-C-A. GRCh37 (hg19) VCF-style: chr10-123276842-C-A.
Other names: c.808G>T, p.Val270Phe (NM_001144915.2, NM_023029.3); c.730G>T, p.Val244Phe (NM_001144916.2, NM_001144918.2); c.391G>T, p.Val131Phe (NM_001320654.2); c.1075G>T, p.Val359Phe (NM_001320658.2); c.749-2009G>T (NM_001144914.1); c.939+2651G>T (NM_001144917.2); c.1087+1354G>T (NM_022970.4, NM_001144913.1); c.820+1354G>T (NM_001144919.2); short protein forms V244F, V270F, V131F, V359F.
Identifiers: ClinVar variation 952522 (VCV000952522.10), dbSNP rs1274989878, ClinGen allele CA378327652.